The following is an entry in ClinVar:

NM_002693.3(POLG):c.2687T>C (p.Leu896Pro)

Gene: POLG (DNA polymerase gamma, catalytic subunit; minus strand). Cytogenetic location: 15q26.1.
Variant type: single nucleotide variant.
Coding change: c.2687T>C on transcript NM_002693.3 (MANE Select); coding-DNA position 2687, T replaced by C.
Protein change: p.Leu896Pro; replaces leucine 896 with proline.
Molecular consequence: missense variant.
Genome position (GRCh38, 1-based): chr15:89,321,172, A>G on the plus strand (T>C on the coding strand, the complement: POLG is on the minus strand). VCF-style: chr15-89321172-A-G. GRCh37 (hg19) VCF-style: chr15-89864403-A-G.
Other names: c.2687T>C, p.Leu896Pro (NM_001126131.2); short protein forms L896P.
Identifiers: ClinVar variation 2002733 (VCV002002733.4), dbSNP rs2509218947, ClinGen allele CA393753637.
Genomic context (GRCh38, chr15:89,321,172, plus strand): 5'-GGCTCCTGCTCACCATGCATGCCGGCAAAGTGGGCGTCTCCAAGCACAGCTGCAATCCAC[A>G]GCTCTTGGGAGTCCACATCAGCACCCACAAGGGTGTAGCCAGGTGGGGCCTGCACCATGG-3'
Protein context (NP_002684.1, residues 886-906): LVGADVDSQE[Leu896Pro]WIAAVLGDAH

ClinVar aggregate classification (germline): Uncertain significance (1 of 4 stars; one submission).

Conditions:
Progressive sclerosing poliodystrophy (MTDPS4A). Also called: Mitochondrial DNA Depletion Syndrome 4A; ALPERS PROGRESSIVE INFANTILE POLIODYSTROPHY; NEURONAL DEGENERATION OF CHILDHOOD WITH LIVER DISEASE, PROGRESSIVE; Mitochondrial DNA depletion syndrome 4A (Alpers type); Alpers Syndrome; ALPERS DIFFUSE DEGENERATION OF CEREBRAL GRAY MATTER WITH HEPATIC CIRRHOSIS. Identifiers: Orphanet 726, MedGen C0205710, MONDO:0008758, OMIM 203700.

Submission:

Labcorp Genetics (formerly Invitae), Labcorp
Classification: Uncertain significance for Progressive sclerosing poliodystrophy. Last evaluated: 2022-06-07. Review status: criteria provided, single submitter. Criteria: Invitae Variant Classification Sherloc (09022015). Collection method: clinical testing. Allele origin: germline.
Comment: This sequence change replaces leucine, which is neutral and non-polar, with proline, which is neutral and non-polar, at codon 896 of the POLG protein (p.Leu896Pro). This variant is not present in population databases (gnomAD no frequency). This variant has not been reported in the literature in individuals affected with POLG-related conditions. Algorithms developed to predict the effect of missense changes on protein structure and function are either unavailable or do not agree on the potential impact of this missense change (SIFT: "Deleterious"; PolyPhen-2: "Probably Damaging"; Align-GVGD: "Class C0"). In summary, the available evidence is currently insufficient to determine the role of this variant in disease. Therefore, it has been classified as a Variant of Uncertain Significance.